The following is an entry in ClinVar:

NM_001368894.2(PAX6):c.649C>T (p.Arg217Ter)

Gene: PAX6 (paired box 6; minus strand). Cytogenetic location: 11p13.
Variant type: single nucleotide variant.
Coding change: c.649C>T on transcript NM_001368894.2 (MANE Select); coding-DNA position 649, C replaced by T.
Protein change: p.Arg217Ter; replaces arginine 217 with a stop codon.
Molecular consequence: nonsense. On other transcripts: non-coding transcript variant (2).
Genome position (GRCh38, 1-based): chr11:31,794,705, G>A on the plus strand (C>T on the coding strand, the complement: PAX6 is on the minus strand). VCF-style: chr11-31794705-G-A. GRCh37 (hg19) VCF-style: chr11-31816253-G-A.
Other names: NP_000271.1:p.Arg203*; c.607C>T, p.Arg203Ter (NM_000280.6, NM_001127612.3, NM_001258464.2 and 10 more transcripts); c.649C>T, p.Arg217Ter (NM_001258462.3, NM_001258463.2, NM_001310158.2 and 6 more transcripts); c.199C>T, p.Arg67Ter (NM_001310160.2, NM_001310161.3, NM_001368899.2 and 11 more transcripts); c.4C>T, p.Arg2Ter (NM_001368930.2); c.850C>T, p.Arg284Ter (NM_001368910.2); c.652C>T, p.Arg218Ter (NM_001368911.2); c.724C>T, p.Arg242Ter (NM_001368918.2, NM_001368919.2); and 4 more; short protein forms R203*, R217*, R136*, R228*, R284*, R67*, R150*, R2*.
Identifiers: ClinVar variation 3466 (VCV000003466.31), dbSNP rs121907916, ClinGen allele CA220596.

ClinVar aggregate classification (germline): Pathogenic. Review status: criteria provided, multiple submitters, no conflicts (2 of 4 stars). 11 submissions from 11 submitters: Pathogenic (9). 2 of the submissions do not count toward it. Last evaluated 2026-01-01.

Conditions:
Irido-corneo-trabecular dysgenesis (ASGD5). Also called: ANTERIOR SEGMENT DYSGENESIS 5. Identifiers: Orphanet 708, MedGen C0344559, MONDO:0011414, OMIM 604229, HP:0000659.
Aniridia 1 (AN1). Identifiers: Orphanet 250923, MedGen C0344542, MONDO:0024507, OMIM 106210.
PAX6-related disorder. Also called: PAX6-related disorders; PAX6-related condition.
Inborn genetic diseases. Identifiers: MedGen C0950123, MeSH D030342.

Submissions (11):

CeGaT Center for Human Genetics Tuebingen
Classification: Pathogenic. Last evaluated: 2026-01-01. Review status: criteria provided, single submitter. Criteria: CeGaT Center For Human Genetics Tuebingen Variant Classification Criteria Version 2. Collection method: clinical testing. Allele origin: germline. Affected: yes. Observed: 2 variant alleles.
Comment: PAX6: PVS1, PS4, PM2

Labcorp Genetics (formerly Invitae), Labcorp
Classification: Pathogenic for Aniridia 1; Irido-corneo-trabecular dysgenesis. Last evaluated: 2025-08-20. Review status: criteria provided, single submitter. Criteria: Invitae Variant Classification Sherloc (09022015). Collection method: clinical testing. Allele origin: germline.
Comment: This sequence change creates a premature translational stop signal (p.Arg203*) in the PAX6 gene. It is expected to result in an absent or disrupted protein product. Loss-of-function variants in PAX6 are known to be pathogenic (PMID: 12634864). This variant is not present in population databases (gnomAD no frequency). This premature translational stop signal has been observed in individual(s) with aniridia, and microphthalmia with late-onset keratitis and iris coloboma and aniridia with slightly impaired pituitary function (PMID: 10887930, 22171686, 24390526, 27463523). It has also been observed to segregate with disease in related individuals. Invitae Evidence Modeling of clinical and family history, age, sex, and reported ancestry of multiple individuals with this PAX6 variant has been performed. This variant is expected to be pathogenic with a positive predictive value of at least 99%. This is a validated machine learning model that incorporates the clinical features of 11,666 individuals referred to our laboratory for PAX6 testing. This variant is also known as c.649C>T; p.Arg217*. ClinVar contains an entry for this variant (Variation ID: 3466). For these reasons, this variant has been classified as Pathogenic.

GeneDx
Classification: Pathogenic. Last evaluated: 2025-05-06. Review status: criteria provided, single submitter. Criteria: GeneDx Variant Classification Process June 2021. Collection method: clinical testing. Allele origin: germline. Affected: yes.
Comment: Observed in multiple unrelated patients from different ethnic backgrounds with aniridia referred for genetic testing at GeneDx and in published literature (PMID: 10887930, 12552561); Nonsense variant predicted to result in protein truncation or nonsense mediated decay in a gene for which loss of function is a known mechanism of disease; Not observed at significant frequency in large population cohorts (gnomAD); This variant is associated with the following publications: (PMID: 27463523, 24390526, 22171686, 25525159, 7550230, 12552561, 29618921, 29901133, 28321846, 32360764, 34101622, 34942114, 35052368, 39212610, 38459225, 38219857, 25678763, 39449022, 37191119, 22171157, 16543198, 20806047, 18776953, 22393275, 39306593, 27081561, 26661695, 37483273, 31947737, 32396632, 32214788, 10887930, 12634864)

PreventionGenetics, part of Exact Sciences
Classification: Pathogenic for PAX6-related condition. Last evaluated: 2025-04-03. Review status: criteria provided, single submitter. Criteria: ACMG Guidelines, 2015. Collection method: clinical testing. Allele origin: germline.
Comment: The PAX6 c.649C>T variant is predicted to result in premature protein termination (p.Arg217*). This variant is also referred to as c.607C>T (p.Arg203*) in an alternate transcript NM_000280 in the literature. This variant has been reported in numerous individuals with PAX6-related disorders, including multiple de novo cases (see for example: Xiao et al. 2012. PubMed ID: 22171686; Cross et al. 2020. PubMed ID: 32360764; Moon et al. 2022. PubMed ID: 35052368). This variant has not been reported in a large population database (gnomAD), indicating this variant is rare. Nonsense variants in PAX6 are expected to be pathogenic. This variant is interpreted as pathogenic.

Ambry Genetics
Classification: Pathogenic for Inborn genetic diseases. Last evaluated: 2024-09-26. Review status: criteria provided, single submitter. Criteria: Ambry Variant Classification Scheme 2023. Collection method: clinical testing. Allele origin: germline.
Comment: The c.607C>T (p.R203*) alteration, located in exon 8 (coding exon 5) of the PAX6 gene, consists of a C to T substitution at nucleotide position 607. This changes the amino acid from an arginine (R) to a stop codon at amino acid position 203. This alteration is expected to result in loss of function by premature protein truncation or nonsense-mediated mRNA decay. This variant was not reported in population-based cohorts in the Genome Aggregation Database (gnomAD). This variant was identified in multiple individuals with features consistent with PAX6-related ophthalmological disorder and segregated with disease in at least one family (Cross, 2020; Daruich, 2022; Dubey, 2015; Kuchalska, 2023; Moon, 2021; Souzeau, 2018; Syrimis, 2018; Zucco, 2024). This variant has been determined to be the result of a de novo mutation in at least one individual with features consistent with PAX6-related ophthalmological disorder (Cross, 2020). Based on the available evidence, this alteration is classified as pathogenic.

Blueprint Genetics
Classification: Pathogenic for PAX6-related disorders. Last evaluated: 2023-10-30. Review status: criteria provided, single submitter. Criteria: ACMG Guidelines, 2015. Collection method: clinical testing. Allele origin: germline. Affected: yes. Observed: 1 variant allele.

Wessex Regional Genetics Laboratory, Salisbury District Hospital
Classification: Pathogenic for Aniridia 1. Last evaluated: 2019-08-15. Review status: criteria provided, single submitter. Criteria: ACMG Guidelines, 2015. Collection method: clinical testing. Allele origin: inherited, de novo, unknown. Inheritance: Autosomal dominant inheritance. Affected: yes. Observed: 7 variant alleles.

Genetics and Molecular Pathology, SA Pathology
Classification: Pathogenic for Aniridia 1. Last evaluated: 2018-02-07. Review status: criteria provided, single submitter. Criteria: ACMG Guidelines, 2015. Collection method: clinical testing. Allele origin: unknown. Inheritance: Autosomal dominant inheritance. Affected: yes. Observed: 1 variant allele, 1 heterozygote. Study: ANZRAG.

Eurofins Ntd Llc (ga)
Classification: Pathogenic. Last evaluated: 2013-07-29. Review status: criteria provided, single submitter. Criteria: EGL Classification Definitions. Collection method: clinical testing. Allele origin: germline. Observed: 1 variant allele, 1 heterozygote.

OMIM
Classification: Pathogenic for ANIRIDIA. Last evaluated: 1995-01-01. Review status: no assertion criteria provided. Collection method: literature only. Allele origin: germline. Not counted in ClinVar's aggregate classification.

Laboratory of Genetic Epidemiology, Research Centre for Medical Genetics
Classification: Pathogenic for Aniridia 1. Review status: no assertion criteria provided. Collection method: research. Allele origin: maternal, de novo. Inheritance: Autosomal dominant inheritance. Affected: yes. Observed: 4 heterozygotes. Not counted in ClinVar's aggregate classification.

Literature cited by the submitters: PubMed 12634864 (cited by Labcorp Genetics (formerly Invitae), Labcorp); PubMed 10887930 (cited by Labcorp Genetics (formerly Invitae), Labcorp); PubMed 22171686 (cited by Labcorp Genetics (formerly Invitae), Labcorp); PubMed 24390526 (cited by Labcorp Genetics (formerly Invitae), Labcorp); PubMed 27463523 (cited by Labcorp Genetics (formerly Invitae), Labcorp); PubMed 25678763 (cited by Ambry Genetics); PubMed 29618921 (cited by Ambry Genetics); PubMed 29901133 (cited by Ambry Genetics); PubMed 32360764 (cited by Ambry Genetics); PubMed 34942114 (cited by Ambry Genetics); PubMed 35052368 (cited by Ambry Genetics); PubMed 37191119 (cited by Ambry Genetics); PubMed 38459225 (cited by Ambry Genetics); PubMed 7550230 (cited by OMIM); PubMed 28321846 (cited by Laboratory of Genetic Epidemiology, Research Centre for Medical Genetics).